The following is an entry in ClinVar:

ClinVar aggregate classification (germline): Conflicting classifications of pathogenicity. Review status: criteria provided, conflicting classifications (1 of 4 stars). 9 submissions from 8 submitters: Likely pathogenic (1); Uncertain significance (7); Likely benign (1). Last evaluated 2026-04-15.

Conditions:
PNPT1-related disorder. Also called: PNPT1-related condition; PNPT1-related disorders.
Spinocerebellar ataxia type 25. Identifiers: Orphanet 101111, MedGen C1837518, MONDO:0012103, OMIM 608703.
Combined oxidative phosphorylation defect type 13. Also called: Combined oxidative phosphorylation deficiency 13. Identifiers: Orphanet 319514, MedGen C4706283, MONDO:0013977, OMIM 614932.

Allele frequency attached by ClinVar (database versions not stated): gnomAD 0.00006 and 0.00007; TOPMed 0.00009; gnomAD exomes 0.00013 and 0.00016; ExAC 0.00015; ESP Exome Variant Server 0.00015.
gnomAD v4.1: 210 of 1,613,898 alleles (0.013%); highest among the groups gnomAD compares: Middle Eastern, 0.5%; no homozygotes.

Submissions (9):

Women's Health and Genetics/Laboratory Corporation of America, LabCorp
Classification: Uncertain significance. Last evaluated: 2026-04-15. Review status: criteria provided, single submitter. Criteria: LabCorp Variant Classification Summary - May 2015. Collection method: clinical testing. Allele origin: germline.
Comment: Variant summary: PNPT1 c.493C>T (p.Pro165Ser) results in a non-conservative amino acid change located in the Exoribonuclease, phosphorolytic domain 1 (IPR001247) of the encoded protein sequence. Algorithms developed to predict the effect of missense changes on protein structure and function all suggest that this variant is likely to be disruptive. The variant allele was found at a frequency of 0.00016 in 251162 control chromosomes. This frequency is not significantly higher than estimated for disease-causing variants in PNPT1, allowing no conclusion about variant significance. c.493C>T has been reported in one individual affected with Lactic acidosis and Decreased activity of cytochrome C oxidase in muscle tissue, without strong evidence for causality (Barbosa-Gouveia_2021). These report(s) do not provide unequivocal conclusions about association of the variant with PNPT1-Related Disorders. To our knowledge, no experimental evidence demonstrating an impact on protein function has been reported. The following publication has been ascertained in the context of this evaluation (PMID: 34440436). ClinVar contains an entry for this variant (Variation ID: 215005). Based on the evidence outlined above, the variant was classified as uncertain significance.

PreventionGenetics, part of Exact Sciences
Classification: Uncertain significance for PNPT1-related condition. Last evaluated: 2026-03-13. Review status: criteria provided, single submitter. Criteria: ACMG Guidelines, 2015. Collection method: clinical testing. Allele origin: germline.
Comment: The PNPT1 c.493C>T variant is predicted to result in the amino acid substitution p.Pro165Ser. To our knowledge, this variant has not been reported in the literature. This variant is reported in 0.027% of alleles in individuals of European (Non-Finnish) descent in gnomAD. At this time, the clinical significance of this variant is uncertain due to the absence of conclusive functional and genetic evidence.

Labcorp Genetics (formerly Invitae), Labcorp
Classification: Likely benign. Last evaluated: 2025-09-24. Review status: criteria provided, single submitter. Criteria: Invitae Variant Classification Sherloc (09022015). Collection method: clinical testing. Allele origin: germline.

Blueprint Genetics
Classification: Uncertain significance. Last evaluated: 2024-10-24. Review status: criteria provided, single submitter. Criteria: ACMG Guidelines, 2015. Collection method: clinical testing. Allele origin: germline.

GeneDx
Classification: Uncertain significance. Last evaluated: 2024-09-09. Review status: criteria provided, single submitter. Criteria: GeneDx Variant Classification Process June 2021. Collection method: clinical testing. Allele origin: germline. Affected: yes.
Comment: In silico analysis supports that this missense variant has a deleterious effect on protein structure/function; Has not been previously published as pathogenic or benign to our knowledge

Mayo Clinic Laboratories, Mayo Clinic
Classification: Uncertain significance. Last evaluated: 2021-12-22. Review status: criteria provided, single submitter. Criteria: ACMG Guidelines, 2015. Collection method: clinical testing. Allele origin: germline. Observed: 2 variant alleles.
Comment: PM2_supporting

Baylor Genetics
Classification: Likely pathogenic for Combined oxidative phosphorylation defect type 13. Last evaluated: 2019-11-07. Review status: criteria provided, single submitter. Criteria: ACMG Guidelines, 2015. Collection method: clinical testing. Allele origin: unknown. Affected: yes.
Comment: This variant was determined to be likely pathogenic according to ACMG Guidelines, 2015 [PMID:25741868].

CeGaT Center for Human Genetics Tuebingen
Classification: Uncertain significance. Last evaluated: 2017-08-01. Review status: criteria provided, single submitter. Criteria: CeGaT Center For Human Genetics Tuebingen Variant Classification Criteria Version 2. Collection method: clinical testing. Allele origin: germline. Affected: yes. Observed: 1 variant allele.

Baylor Genetics
Classification: Uncertain significance for Spinocerebellar ataxia type 25. Review status: criteria provided, single submitter. Criteria: ACMG Guidelines, 2015. Collection method: clinical testing. Allele origin: unknown.

Literature cited by the submitters: PubMed 34440436 (cited by Women's Health and Genetics/Laboratory Corporation of America, LabCorp).

NM_033109.5(PNPT1):c.493C>T (p.Pro165Ser)

Gene: PNPT1 (polyribonucleotide nucleotidyltransferase 1; minus strand). Cytogenetic location: 2p16.1.
Variant type: single nucleotide variant.
Coding change: c.493C>T on transcript NM_033109.5 (MANE Select); coding-DNA position 493, C replaced by T.
Protein change: p.Pro165Ser; replaces proline 165 with serine.
Molecular consequence: missense variant.
Genome position (GRCh38, 1-based): chr2:55,680,879, G>A on the plus strand (C>T on the coding strand, the complement: PNPT1 is on the minus strand). VCF-style: chr2-55680879-G-A. GRCh37 (hg19) VCF-style: chr2-55908014-G-A.
Other names: p.P165S:CCT>TCT; p.Pro165Ser; short protein forms P165S.
Identifiers: ClinVar variation 215005 (VCV000215005.62), dbSNP rs151166046, ClinGen allele CA323570.
Genomic context (GRCh38, chr2:55,680,879, plus strand): 5'-TAATCTGATAATTTTAATCTCTACTTTTATACTTACCGCCATTAATTGCTAGGACATCAG[G>A]CTCATTTACACCATCTACTGCTAACAGATTACACAGAACCTGGTAAAAGGGAAAAAATTT-3'
Protein context (NP_149100.2, residues 155-175): NLLAVDGVNE[Pro165Ser]DVLAINGASV